The following is an entry in ClinVar:

ClinVar aggregate classification (germline): Uncertain significance (1 of 4 stars; one submission).

Submission:

Labcorp Genetics (formerly Invitae), Labcorp
Classification: Uncertain significance. Last evaluated: 2025-02-19. Review status: criteria provided, single submitter. Criteria: Invitae Variant Classification Sherloc (09022015). Collection method: clinical testing. Allele origin: germline.
Comment: This sequence change creates a premature translational stop signal (p.Thr1958Asnfs*14) in the SCN3A gene. While this is not anticipated to result in nonsense mediated decay, it is expected to disrupt the last 43 amino acid(s) of the SCN3A protein. This variant is not present in population databases (gnomAD no frequency). This variant has not been reported in the literature in individuals affected with SCN3A-related conditions. In summary, the available evidence is currently insufficient to determine the role of this variant in disease. Therefore, it has been classified as a Variant of Uncertain Significance.

NM_006922.4(SCN3A):c.5872dup (p.Thr1958fs)

Gene: SCN3A (sodium voltage-gated channel alpha subunit 3; minus strand). Cytogenetic location: 2q24.3.
Variant type: Duplication.
Coding change: c.5872dup on transcript NM_006922.4 (MANE Select); coding-DNA position 5872, one base duplicated (A; older notation c.5872dupA).
Protein change: p.Thr1958fs; shifts the reading frame from threonine 1958.
Molecular consequence: frameshift variant.
Genome position (GRCh38, 1-based): chr2:165,090,281, T duplicated on the plus strand (A on the coding strand, the reverse complement: SCN3A is on the minus strand); the first of 6 consecutive T bases (chr2:165,090,281-165,090,286); duplicating any one gives the same sequence. VCF-style (leftmost placement, unchanged base first): chr2-165090280-G-GT. GRCh37 (hg19) VCF-style: chr2-165946790-G-GT.
Other names: c.5725dup, p.Thr1909fs (NM_001081676.2, NM_001081677.2); short protein forms T1958fs, T1909fs.
Identifiers: ClinVar variation 4713474 (VCV004713474.1).
Genomic context (GRCh38, chr2:165,090,280, plus strand): 5'-TTGTCTGGTTTTGTTACACTATCATAGGAAGGAGGAGAGGTGGTAGAGGAACTCCCATCT[G>GT]TTTTTTCTGGAGTGGAGTTCCCATTTAGTTTGTCAATAATCATGTCTTGTTTTATAGGTA-3'